The following is an entry in ClinVar:

NM_001127644.2(GABRA1):c.752G>A (p.Gly251Asp)

Gene: GABRA1 (gamma-aminobutyric acid type A receptor subunit alpha1; plus strand). Cytogenetic location: 5q34.
Variant type: single nucleotide variant.
Coding change: c.752G>A on transcript NM_001127644.2 (MANE Select); coding-DNA position 752, G replaced by A.
Protein change: p.Gly251Asp; replaces glycine 251 with aspartic acid.
Molecular consequence: missense variant.
Genome position (GRCh38, 1-based): chr5:161,890,946, G>A. VCF-style: chr5-161890946-G-A. GRCh37 (hg19) VCF-style: chr5-161317952-G-A.
Other names: c.752G>A, p.Gly251Asp (NM_000806.5, NM_001127643.2, NM_001127645.2 and 1 more transcripts); short protein forms G251D.
Identifiers: ClinVar variation 419523 (VCV000419523.2), dbSNP rs1064793933, ClinGen allele CA16618156.

ClinVar aggregate classification (germline): Pathogenic (1 of 4 stars; one submission).

Submission:

GeneDx
Classification: Pathogenic. Last evaluated: 2015-08-10. Review status: criteria provided, single submitter. Criteria: GeneDx Variant Classification (06012015). Collection method: clinical testing. Allele origin: germline. Affected: yes.
Comment: The G251D substitution in the GABRA1 gene has not been reported previously as a pathogenic variant nor as a benign polymorphism, to our knowledge. The G251D variant was not observed in approximately 6500 individuals of European and African American ancestry in the NHLBI Exome Sequencing Project, indicating it is not a common benign variant in these populations. The G251D variant is a non-conservative amino acid substitution, which occurs at a position that is conserved across species. In silico analysis predicts this variant is probably damaging to the protein structure/function. A missense variant at the same residue (G251S) has been reported in the Human Gene Mutation Database in association with Dravet syndrome (Stenson et al., 2014; Carvill et al., 2014), supporting the functional importance of this residue of the protein. We interpret G251D as a pathogenic variant.